The following is an entry in ClinVar:

NM_213720.3(CHCHD10):c.136G>T (p.Ala46Ser)

Gene: CHCHD10 (coiled-coil-helix-coiled-coil-helix domain containing 10; minus strand). Cytogenetic location: 22q11.23.
Variant type: single nucleotide variant.
Coding change: c.136G>T on transcript NM_213720.3 (MANE Select); coding-DNA position 136, G replaced by T.
Protein change: p.Ala46Ser; replaces alanine 46 with serine.
Molecular consequence: missense variant. On other transcripts: non-coding transcript variant (1).
Genome position (GRCh38, 1-based): chr22:23,767,499, C>A on the plus strand (G>T on the coding strand, the complement: CHCHD10 is on the minus strand). VCF-style: chr22-23767499-C-A. GRCh37 (hg19) VCF-style: chr22-24109686-C-A.
Other names: p.Ala46Ser; c.136G>T, p.Ala46Ser (NM_001301339.2); short protein forms A46S.
Identifiers: ClinVar variation 473420 (VCV000473420.19), dbSNP rs200831077, ClinGen allele CA10145308.

ClinVar aggregate classification (germline): Benign/Likely benign. Review status: criteria provided, multiple submitters, no conflicts (2 of 4 stars). 5 submissions from 5 submitters: Benign (2); Likely benign (3). Last evaluated 2026-01-26.

Conditions:
Autosomal dominant mitochondrial myopathy with exercise intolerance (IMMD). Also called: Myopathy, isolated mitochondrial, autosomal dominant. Identifiers: Orphanet 457050, MedGen C4015513, MONDO:0014532, OMIM 616209.
Frontotemporal dementia and/or amyotrophic lateral sclerosis 2. Also called: FTDALS2. Identifiers: Orphanet 275872, MedGen C4014648, MONDO:0014395, OMIM 615911.
Lower motor neuron syndrome with late-adult onset (SMAJ). Also called: Late-Onset Spinal Motor Neuronopathy (SMAJ); Spinal muscular atrophy, Jokela type. Identifiers: Orphanet 276435, MedGen C3554398, MONDO:0014025, OMIM 615048.

Allele frequency attached by ClinVar (database versions not stated): gnomAD exomes 0.00032 and 0.00069; ExAC 0.00139; ESP Exome Variant Server 0.00313; gnomAD 0.00391 and 0.00420; TOPMed 0.00430; 1000 Genomes Project 0.00599; 1000 Genomes Project 30x 0.00640.

Submissions (5):

Labcorp Genetics (formerly Invitae), Labcorp
Classification: Benign for Lower motor neuron syndrome with late-adult onset; Frontotemporal dementia and/or amyotrophic lateral sclerosis 2; Autosomal dominant mitochondrial myopathy with exercise intolerance. Last evaluated: 2026-01-26. Review status: criteria provided, single submitter. Criteria: Invitae Variant Classification Sherloc (09022015). Collection method: clinical testing. Allele origin: germline.

Mayo Clinic Laboratories, Mayo Clinic
Classification: Benign. Last evaluated: 2024-08-21. Review status: criteria provided, single submitter. Criteria: ACMG Guidelines, 2015. Collection method: clinical testing. Allele origin: germline. Observed: 4 variant alleles.
Comment: BS2, BP4

Blueprint Genetics
Classification: Likely benign. Last evaluated: 2024-07-15. Review status: criteria provided, single submitter. Criteria: ACMG Guidelines, 2015. Collection method: clinical testing. Allele origin: germline.

GeneDx
Classification: Likely benign. Last evaluated: 2020-01-28. Review status: criteria provided, single submitter. Criteria: GeneDx Variant Classification Process June 2021. Collection method: clinical testing. Allele origin: germline. Affected: yes.

Breakthrough Genomics
Classification: Likely benign. Review status: criteria provided, single submitter. Criteria: ACMG Guidelines, 2015. Collection method: not provided. Allele origin: germline. Inheritance: Autosomal dominant inheritance. Affected: yes.